The following is an entry in ClinVar:

ClinVar aggregate classification (germline): Uncertain significance (1 of 4 stars; one submission).

Conditions:
Neurodevelopmental-craniofacial syndrome with variable renal and cardiac abnormalities. Identifiers: MedGen C5561984, MONDO:0859190, OMIM 619522.

Submission:

Neuberg Centre For Genomic Medicine, NCGM
Classification: Uncertain significance for Neurodevelopmental-craniofacial syndrome with variable renal and cardiac abnormalities. Last evaluated: 2024-02-01. Review status: criteria provided, single submitter. Criteria: ACMG Guidelines, 2015. Collection method: clinical testing. Allele origin: germline. Inheritance: Autosomal dominant inheritance.
Comment: The observed missense variant c.3184G>A(p.Asp1062Asn) in ZMYM2 gene has not been reported previously as a pathogenic variant nor as a benign variant, to our knowledge. This variant is absent in gnomAD Exomes. The amino acid Asp at position 1062 is changed to a Asn changing protein sequence and it might alter its composition and physico-chemical properties. Multiple lines of computational evidence (Polyphen-Benign, SIFT-Tolerated and MutationTaster-polymorphism) predict no damaging effect on protein structure and function for this variant. This variant has not been reported to the ClinVar database. The reference amino acid p.Asp1062Asn in ZMYM2 is predicted as conserved by GERP++ and PhyloP across 100 vertebrates. For these reasons, this variant has been classified as Uncertain Significance.

NM_197968.4(ZMYM2):c.3184G>A (p.Asp1062Asn)

Gene: ZMYM2 (zinc finger MYM-type containing 2; plus strand). Cytogenetic location: 13q12.11.
Variant type: single nucleotide variant.
Coding change: c.3184G>A on transcript NM_197968.4 (MANE Select); coding-DNA position 3184, G replaced by A.
Protein change: p.Asp1062Asn; replaces aspartic acid 1062 with asparagine.
Molecular consequence: missense variant. On other transcripts: non-coding transcript variant (1).
Genome position (GRCh38, 1-based): chr13:20,066,902, G>A. VCF-style: chr13-20066902-G-A. GRCh37 (hg19) VCF-style: chr13-20641042-G-A.
Other names: c.3184G>A, p.Asp1062Asn (NM_001190964.4, NM_001190965.4, NM_001353157.2 and 5 more transcripts); c.2989G>A, p.Asp997Asn (NM_001353161.3); c.2923G>A, p.Asp975Asn (NM_001353163.2); short protein forms D1062N, D975N, D997N.
Identifiers: ClinVar variation 3898006 (VCV003898006.1).
Genomic context (GRCh38, chr13:20,066,902, plus strand): 5'-TACTAATAGGGAGCCAAGAGAAAGGCTGTATCAGGATACCAGTCTCATGATGATAGTTCT[G>A]ACAATTCAGAATGCAGCTTTCCTTTCAAATATACGTATGGCGTAAATGCATGGAAACACT-3'
Protein context (NP_932072.1, residues 1052-1072): SGYQSHDDSS[Asp1062Asn]NSECSFPFKY